The following is an entry in ClinVar:

ClinVar aggregate classification (germline): Benign/Likely benign. Review status: criteria provided, multiple submitters, no conflicts (2 of 4 stars). 3 submissions from 3 submitters: Benign (1); Likely benign (2). Last evaluated 2025-07-03.

Conditions:
Multiple endocrine neoplasia, type 1 (MEN1). Also called: MEA I; Endocrine adenomatosis multiple; MEN 1; MEN I; WERMER SYNDROME. Identifiers: Orphanet 652, MedGen C0025267, MeSH D018761, MONDO:0007540, OMIM 131100.
Hereditary cancer-predisposing syndrome. Also called: Hereditary Cancer Syndrome; Tumor predisposition; Neoplastic Syndromes, Hereditary; Hereditary neoplastic syndrome. Identifiers: Orphanet 140162, MedGen C0027672, MeSH D009386, MONDO:0015356.

Submissions (3):

Labcorp Genetics (formerly Invitae), Labcorp
Classification: Likely benign for Multiple endocrine neoplasia, type 1. Last evaluated: 2025-07-03. Review status: criteria provided, single submitter. Criteria: Invitae Variant Classification Sherloc (09022015). Collection method: clinical testing. Allele origin: germline.

Myriad Genetics, Inc.
Classification: Benign for Multiple endocrine neoplasia, type 1. Last evaluated: 2024-10-31. Review status: criteria provided, single submitter. Criteria: Myriad Autosomal Dominant, Autosomal Recessive and X-Linked Classification Criteria (2023). Collection method: clinical testing. Allele origin: unknown.
Comment: This variant is considered benign. This variant is a silent/synonymous amino acid change and it is not expected to impact splicing.

Ambry Genetics
Classification: Likely benign for Hereditary cancer-predisposing syndrome. Last evaluated: 2021-01-22. Review status: criteria provided, single submitter. Criteria: Ambry Variant Classification Scheme 2023. Collection method: clinical testing. Allele origin: germline.

NM_001370259.2(MEN1):c.171C>T (p.Asn57=)

Gene: MEN1 (menin 1; minus strand). Cytogenetic location: 11q13.1.
Variant type: single nucleotide variant.
Coding change: c.171C>T on transcript NM_001370259.2 (MANE Select); coding-DNA position 171, C replaced by T.
Protein change: p.Asn57=; no amino-acid change (asparagine 57 retained).
Molecular consequence: synonymous variant.
Genome position (GRCh38, 1-based): chr11:64,809,939, G>A on the plus strand (C>T on the coding strand, the complement: MEN1 is on the minus strand). VCF-style: chr11-64809939-G-A. GRCh37 (hg19) VCF-style: chr11-64577411-G-A.
Other names: c.171C>T, p.Asn57= (NM_001370262.2, NM_001370263.2, NM_130799.3 and 9 more transcripts).
Identifiers: ClinVar variation 1632991 (VCV001632991.11), dbSNP rs1171829753, ClinGen allele CA475163900.